The following is an entry in ClinVar:

NM_001875.5(CPS1):c.104G>A (p.Gly35Asp)

Gene: CPS1 (carbamoyl-phosphate synthase 1; plus strand). Cytogenetic location: 2q34.
Variant type: single nucleotide variant.
Coding change: c.104G>A on transcript NM_001875.5 (MANE Select); coding-DNA position 104, G replaced by A.
Protein change: p.Gly35Asp; replaces glycine 35 with aspartic acid.
Molecular consequence: missense variant. On other transcripts: non-coding transcript variant (1).
Genome position (GRCh38, 1-based): chr2:210,556,837, G>A. VCF-style: chr2-210556837-G-A. GRCh37 (hg19) VCF-style: chr2-211421561-G-A.
Other names: c.104G>A (LRG_336t1); c.104G>A, p.Gly35Asp (NM_001122633.3, NM_001369257.1); c.137G>A, p.Gly46Asp (NM_001369256.1); short protein forms G46D, G35D.
Identifiers: ClinVar variation 643982 (VCV000643982.6), dbSNP rs1574520391, ClinGen allele CA350432873.
Genomic context (GRCh38, chr2:210,556,837, plus strand): 5'-AGACTGGTTTTGGCTTTACCAATGTGACTGCACACCAAAAATGGAAATTTTCAAGACCTG[G>A]CATCAGGCTCCTTTCTGTCAAGGTAATACCCATATTGATTGTTTCTGATAAAATACTATG-3'
Protein context (NP_001866.2, residues 25-45): AHQKWKFSRP[Gly35Asp]IRLLSVKAQT

ClinVar aggregate classification (germline): Uncertain significance (1 of 4 stars; one submission).

Conditions:
Congenital hyperammonemia, type I. Also called: CPS I DEFICIENCY; Carbamoyl-phosphate synthase I deficiency; Carbamoyl phosphate synthetase 1 deficiency; Hyperammonemia due to carbamoyl phosphate synthetase 1 deficiency; CPS 1 deficiency; Carbamyl phosphate synthetase (CPS) deficiency. Identifiers: Orphanet 147, MedGen C4082171, MONDO:0009376, OMIM 237300.

Submission:

Labcorp Genetics (formerly Invitae), Labcorp
Classification: Uncertain significance for Congenital hyperammonemia, type I. Last evaluated: 2021-08-26. Review status: criteria provided, single submitter. Criteria: Invitae Variant Classification Sherloc (09022015). Collection method: clinical testing. Allele origin: germline.
Comment: This sequence change replaces glycine with aspartic acid at codon 35 of the CPS1 protein (p.Gly35Asp). The glycine residue is moderately conserved and there is a moderate physicochemical difference between glycine and aspartic acid. This variant is not present in population databases (ExAC no frequency). This variant has not been reported in the literature in individuals affected with CPS1-related conditions. Algorithms developed to predict the effect of missense changes on protein structure and function are either unavailable or do not agree on the potential impact of this missense change (SIFT: "Deleterious"; PolyPhen-2: "Benign"; Align-GVGD: "Class C0"). In summary, the available evidence is currently insufficient to determine the role of this variant in disease. Therefore, it has been classified as a Variant of Uncertain Significance.